The following is an entry in ClinVar:

NM_033380.3(COL4A5):c.1966G>C (p.Gly656Arg)

Gene: COL4A5 (collagen type IV alpha 5 chain; plus strand). Cytogenetic location: Xq22.3.
Variant type: single nucleotide variant.
Coding change: c.1966G>C on transcript NM_033380.3 (MANE Select); coding-DNA position 1966, G replaced by C.
Protein change: p.Gly656Arg; replaces glycine 656 with arginine.
Molecular consequence: missense variant.
Genome position (GRCh38, 1-based): chrX:108,601,410, G>C. VCF-style: chrX-108601410-G-C. GRCh37 (hg19) VCF-style: chrX-107844640-G-C.
Other names: p.(Gly656Arg); c.1966G>C, p.Gly656Arg (NM_000495.5); short protein forms G656R.
Identifiers: ClinVar variation 5041985 (VCV005041985.1).

ClinVar aggregate classification (germline): Likely pathogenic (1 of 4 stars; one submission).

Conditions:
X-linked Alport syndrome (ATS1). Also called: NEPHROPATHY AND DEAFNESS, X-LINKED; COL4A5-Related Nephropathy. Identifiers: Orphanet 63, Orphanet 88917, MedGen C4746986, MONDO:0010520, OMIM 301050.

Submission:

Centre de Génétique Humaine, Institut de Pathologie Et de Génétique
Classification: Likely pathogenic for X-linked Alport syndrome. Last evaluated: 2026-06-26. Review status: criteria provided, single submitter. Criteria: ACMG Guidelines, 2015. Collection method: clinical testing. Allele origin: maternal, germline. Inheritance: X-linked dominant inheritance. Affected: yes. Observed: 2 variant alleles, 1 heterozygote, 1 hemizygote. Segregation with disease observed.
Comment: This missense variant involves a highly conserved glycine located in a ‘Gly-X-Y’ motif in a non-collagenous/ collagenous boundary region (PM1,PP2). This variant is rare: absent in gnomAD v4.1.0 database (PM2). Another missense variant affecting the same residue described as disease-causing:c.1967G>A, p.Gly656Asp, PMID: 37097554; PMID: 38547852 (PM5). In silico analysis supports that this missense variant has a deleterious effect (PP3). Described as LP/P in patiens with X-linked AS (PP5)

Literature cited by the submitters: PubMed 29270492.